The following is an entry in ClinVar:

ClinVar aggregate classification (germline): Pathogenic (1 of 4 stars; one submission).

Conditions:
Cornelia de Lange syndrome 1 (CDLS1). Also called: Brachmann de Lange syndrome; TYPUS DEGENERATIVUS AMSTELODAMENSIS; NIPBL-Related Cornelia de Lange Syndrome. Identifiers: Orphanet 199, MedGen C4551851, MONDO:0007387, OMIM 122470.

Submission:

Labcorp Genetics (formerly Invitae), Labcorp
Classification: Pathogenic for Cornelia de Lange syndrome 1. Last evaluated: 2017-04-01. Review status: criteria provided, single submitter. Criteria: Invitae Variant Classification Sherloc (09022015). Collection method: clinical testing. Allele origin: germline.
Comment: While this particular variant has not been reported in the literature, loss-of-function variants in NIPBL are known to be pathogenic (PMID: 24038889). This sequence change inserts 1 nucleotide in exon 10 of the NIPBL mRNA (c.2595dupA), causing a frameshift at codon 866. This creates a premature translational stop signal (p.Leu866Thrfs*8) and is expected to result in an absent or disrupted protein product. For these reasons, this variant has been classified as Pathogenic.

Literature cited by the submitters: PubMed 24038889.

NM_133433.4(NIPBL):c.2595dup (p.Leu866fs)

Gene: NIPBL (NIPBL cohesin loading factor; plus strand). Cytogenetic location: 5p13.2.
Variant type: Duplication.
Coding change: c.2595dup on transcript NM_133433.4 (MANE Select); coding-DNA position 2595, one base duplicated (A; older notation c.2595dupA).
Protein change: p.Leu866fs; shifts the reading frame from leucine 866.
Molecular consequence: frameshift variant.
Genome position (GRCh38, 1-based): chr5:36,985,775, A duplicated; the last of 3 consecutive A bases (chr5:36,985,773-36,985,775); duplicating any one gives the same sequence. VCF-style (leftmost placement, unchanged base first): chr5-36985772-T-TA. GRCh37 (hg19) VCF-style: chr5-36985874-T-TA.
Other names: c.2595dup, p.Leu866fs (NM_015384.5); c.2595dupA (NM_133433.3); short protein forms L866fs.
Identifiers: ClinVar variation 476585 (VCV000476585.6), dbSNP rs1554017441, ClinGen allele CA658657437.